The following is an entry in ClinVar:

NM_001271049.2(CFAP221):c.2224A>T (p.Ser742Cys)

Gene: CFAP221 (cilia and flagella associated protein 221; plus strand). Cytogenetic location: 2q14.2.
Variant type: single nucleotide variant.
Coding change: c.2224A>T on transcript NM_001271049.2 (MANE Select); coding-DNA position 2224, A replaced by T.
Protein change: p.Ser742Cys; replaces serine 742 with cysteine.
Molecular consequence: missense variant. On other transcripts: non-coding transcript variant (1).
Genome position (GRCh38, 1-based): chr2:119,639,871, A>T. VCF-style: chr2-119639871-A-T. GRCh37 (hg19) VCF-style: chr2-120397447-A-T.
Other names: short protein forms S742C.
Identifiers: ClinVar variation 2651307 (VCV002651307.24), dbSNP rs374207064, ClinGen allele CA1848763.

ClinVar aggregate classification (germline): Likely benign (1 of 4 stars; one submission).

Allele frequency attached by ClinVar (database versions not stated): gnomAD 0.00001; TOPMed 0.00002; ExAC 0.00005; ESP Exome Variant Server 0.00008.
gnomAD v4.1: 119 of 1,612,428 alleles (0.0074%); highest among the groups gnomAD compares: Non-Finnish European, 0.0089%; no homozygotes.

Submission:

CeGaT Center for Human Genetics Tuebingen
Classification: Likely benign. Last evaluated: 2023-02-01. Review status: criteria provided, single submitter. Criteria: CeGaT Center For Human Genetics Tuebingen Variant Classification Criteria Version 2. Collection method: clinical testing. Allele origin: germline. Affected: yes. Observed: 2 variant alleles.
Comment: CFAP221: BP4